The following is an entry in ClinVar:

NM_001370658.1(BTD):c.583C>T (p.Leu195Phe)

Gene: BTD (biotinidase; plus strand). Cytogenetic location: 3p25.1.
Variant type: single nucleotide variant.
Coding change: c.583C>T on transcript NM_001370658.1 (MANE Select); coding-DNA position 583, C replaced by T.
Protein change: p.Leu195Phe; replaces leucine 195 with phenylalanine.
Molecular consequence: missense variant. On other transcripts: intron variant (1).
Genome position (GRCh38, 1-based): chr3:15,644,499, C>T. VCF-style: chr3-15644499-C-T. GRCh37 (hg19) VCF-style: chr3-15686006-C-T.
Other names: c.643C>T, p.Leu215Phe (NM_000060.4); c.583C>T, p.Leu195Phe (NM_001281723.4, NM_001281724.3, NM_001281725.3 and 18 more transcripts); c.399+2442C>T (NM_001370753.1); short protein forms L195F.
Identifiers: ClinVar variation 25031 (VCV000025031.24), dbSNP rs190386869, ClinGen allele CA278243.

ClinVar aggregate classification (germline): Pathogenic. Review status: criteria provided, multiple submitters, no conflicts (2 of 4 stars). 8 submissions from 8 submitters: Pathogenic (7). 1 of the submissions does not count toward it. Last evaluated 2026-01-29.

Conditions:
BTD-related disorder. Also called: BTD-related condition.
Biotinidase deficiency. Also called: BTD deficiency; Late-onset biotin-responsive multiple carboxylase deficiency; Biotin deficiency. Identifiers: Orphanet 79241, MedGen C0220754, MONDO:0009665, OMIM 253260.

Allele frequency attached by ClinVar (database versions not stated): gnomAD 0.00001; gnomAD exomes 0.00001; TOPMed 0.00002.
gnomAD v4.1: 18 of 1,614,050 alleles (0.0011%); highest among the groups gnomAD compares: East Asian, 0.0022%; no homozygotes.

Submissions (8):

Labcorp Genetics (formerly Invitae), Labcorp
Classification: Pathogenic for Biotinidase deficiency. Last evaluated: 2026-01-29. Review status: criteria provided, single submitter. Criteria: Invitae Variant Classification Sherloc (09022015). Collection method: clinical testing. Allele origin: germline.
Comment: This sequence change replaces leucine, which is neutral and non-polar, with phenylalanine, which is neutral and non-polar, at codon 215 of the BTD protein (p.Leu215Phe). This variant is present in population databases (rs190386869, gnomAD 0.004%). This missense change has been observed in individual(s) with biotinidase deficiency (PMID: 9396567, 9506660, 17185019, 25174816, 26361991, 27207447). In at least one individual the data is consistent with being in trans (on the opposite chromosome) from a pathogenic variant. ClinVar contains an entry for this variant (Variation ID: 25031). Invitae Evidence Modeling of protein sequence and biophysical properties (such as structural, functional, and spatial information, amino acid conservation, physicochemical variation, residue mobility, and thermodynamic stability) indicates that this missense variant is expected to disrupt BTD protein function with a positive predictive value of 95%. For these reasons, this variant has been classified as Pathogenic.

Natera, Inc.
Classification: Pathogenic for Biotinidase deficiency. Last evaluated: 2025-06-12. Review status: criteria provided, single submitter. Criteria: Natera Variant Classification Schema (03/2026). Collection method: clinical testing. Allele origin: germline.
Comment: The c.583C>T variant in BTD is a missense variant predicted to cause substitution of leucine to phenylalanine at amino acid 195. This variant is rare in the general population with a frequency below the threshold expected for the associated phenotype(s). This variant has been observed in one or more individuals affected with the associated recessive disease, as either homozygous or compound heterozygous with a second variant (PMID: 35627187, 9396567). Computational prediction algorithms indicate this variant is likely to affect gene or protein function. Given the available evidence, this variant is classified as Pathogenic.

First Genomix Gene Laboratory, Genetic Diagnostics Department
Classification: Pathogenic for Biotinidase deficiency. Last evaluated: 2025-05-01. Review status: criteria provided, single submitter. Criteria: ACMG Guidelines, 2015. Collection method: clinical testing. Allele origin: germline. Inheritance: Autosomal recessive inheritance. Affected: no. Observed: 1 variant allele.

Fulgent Genetics
Classification: Pathogenic for Biotinidase deficiency. Last evaluated: 2023-12-22. Review status: criteria provided, single submitter. Criteria: ACMG Guidelines, 2015. Collection method: clinical testing. Allele origin: germline.

Baylor Genetics
Classification: Pathogenic for Biotinidase deficiency. Last evaluated: 2023-11-09. Review status: criteria provided, single submitter. Criteria: ACMG Guidelines, 2015. Collection method: clinical testing. Allele origin: unknown.

Blueprint Genetics
Classification: Pathogenic for BTD-related disorders. Last evaluated: 2022-10-26. Review status: criteria provided, single submitter. Criteria: ACMG Guidelines, 2015. Collection method: clinical testing. Allele origin: germline. Affected: yes. Observed: 3 variant alleles.

MGZ Medical Genetics Center
Classification: Pathogenic for Biotinidase deficiency. Last evaluated: 2022-02-22. Review status: criteria provided, single submitter. Criteria: ACMG Guidelines, 2015. Collection method: clinical testing. Allele origin: germline. Affected: yes. Observed: 2 variant alleles.
Comment: ACMG criteria applied: PS4, PM3, PM5, PM2_SUP, PP3, PP4

Counsyl
Classification: Pathogenic for Biotinidase deficiency. Last evaluated: 2016-06-21. Review status: no assertion criteria provided. Collection method: clinical testing. Allele origin: unknown. Not counted in ClinVar's aggregate classification.

Literature cited by the submitters: PubMed 9396567 (cited by 3 submitters); PubMed 9506660 (cited by Labcorp Genetics (formerly Invitae), Labcorp and Counsyl); PubMed 17185019 (cited by Labcorp Genetics (formerly Invitae), Labcorp and Counsyl); PubMed 25174816 (cited by Labcorp Genetics (formerly Invitae), Labcorp and Counsyl); PubMed 26361991 (cited by Labcorp Genetics (formerly Invitae), Labcorp and Counsyl); PubMed 27207447 (cited by Labcorp Genetics (formerly Invitae), Labcorp and Counsyl); PubMed 35627187 (cited by Natera, Inc.).